The following is an entry in ClinVar:

NM_006031.6(PCNT):c.3442G>A (p.Val1148Ile)

Gene: PCNT (pericentrin; plus strand). Cytogenetic location: 21q22.3.
Variant type: single nucleotide variant.
Coding change: c.3442G>A on transcript NM_006031.6 (MANE Select); coding-DNA position 3442, G replaced by A.
Protein change: p.Val1148Ile; replaces valine 1148 with isoleucine.
Molecular consequence: missense variant.
Genome position (GRCh38, 1-based): chr21:46,385,961, G>A. VCF-style: chr21-46385961-G-A. GRCh37 (hg19) VCF-style: chr21-47805876-G-A.
Other names: c.3088G>A, p.Val1030Ile (NM_001315529.2); short protein forms V1148I, V1030I.
Identifiers: ClinVar variation 1942265 (VCV001942265.2), dbSNP rs894079903, ClinGen allele CA322023233.

ClinVar aggregate classification (germline): Uncertain significance (1 of 4 stars; one submission).

Allele frequency attached by ClinVar (database versions not stated): gnomAD exomes below 0.00001; TOPMed 0.00001.

Submission:

Labcorp Genetics (formerly Invitae), Labcorp
Classification: Uncertain significance. Last evaluated: 2021-11-26. Review status: criteria provided, single submitter. Criteria: Invitae Variant Classification Sherloc (09022015). Collection method: clinical testing. Allele origin: germline.
Comment: This sequence change replaces valine, which is neutral and non-polar, with isoleucine, which is neutral and non-polar, at codon 1148 of the PCNT protein (p.Val1148Ile). This variant is not present in population databases (gnomAD no frequency). This variant has not been reported in the literature in individuals affected with PCNT-related conditions. Algorithms developed to predict the effect of missense changes on protein structure and function output the following: SIFT: "Tolerated"; PolyPhen-2: "Benign"; Align-GVGD: "Class C0". The isoleucine amino acid residue is found in multiple mammalian species, which suggests that this missense change does not adversely affect protein function. In summary, the available evidence is currently insufficient to determine the role of this variant in disease. Therefore, it has been classified as a Variant of Uncertain Significance.